The following is an entry in ClinVar:

NM_004655.4(AXIN2):c.956+3G>A

Gene: AXIN2 (axin 2; minus strand). Cytogenetic location: 17q24.1.
Variant type: single nucleotide variant.
Coding change: c.956+3G>A on transcript NM_004655.4 (MANE Select); 3 bases into the intron after coding-DNA position 956, G replaced by A.
Molecular consequence: intron variant.
Genome position (GRCh38, 1-based): chr17:65,549,517, C>T on the plus strand (G>A on the coding strand, the complement: AXIN2 is on the minus strand). VCF-style: chr17-65549517-C-T. GRCh37 (hg19) VCF-style: chr17-63545635-C-T.
Other names: c.956+3G>A (LRG_296t1, NM_001363813.1).
Identifiers: ClinVar variation 509403 (VCV000509403.3), dbSNP rs1555581184, ClinGen allele CA658798960.

ClinVar aggregate classification (germline): Conflicting classifications of pathogenicity. Review status: criteria provided, conflicting classifications (1 of 4 stars). 3 submissions from 3 submitters: Uncertain significance (1); Likely benign (2). Last evaluated 2023-12-19.

Conditions:
Hereditary cancer-predisposing syndrome. Also called: Hereditary neoplastic syndrome; Hereditary Cancer Syndrome; Neoplastic Syndromes, Hereditary; Tumor predisposition. Identifiers: Orphanet 140162, MedGen C0027672, MeSH D009386, MONDO:0015356.
Oligodontia-cancer predisposition syndrome. Also called: TOOTH AGENESIS-COLORECTAL CANCER SYNDROME. Identifiers: Orphanet 300576, MedGen C1837750, MONDO:0012075, OMIM 608615. Disease mechanism: loss of function.

Submissions (3):

Myriad Genetics, Inc.
Classification: Likely benign for Oligodontia-cancer predisposition syndrome. Last evaluated: 2023-12-19. Review status: criteria provided, single submitter. Criteria: Myriad Autosomal Dominant, Autosomal Recessive and X-Linked Classification Criteria (2023). Collection method: clinical testing. Allele origin: unknown.
Comment: This variant is considered likely benign. This variant is intronic and is not expected to impact mRNA splicing.

Ambry Genetics
Classification: Uncertain significance for Hereditary cancer-predisposing syndrome. Last evaluated: 2022-08-25. Review status: criteria provided, single submitter. Criteria: Ambry Variant Classification Scheme 2023. Collection method: clinical testing. Allele origin: germline.
Comment: The c.956+3G>A intronic variant results from a G to A substitution 3 nucleotides after coding exon 2 in the AXIN2 gene. This nucleotide position is poorly conserved in available vertebrate species. In silico splice site analysis predicts that this alteration will not have any significant effect on splicing. Since supporting evidence is limited at this time, the clinical significance of this alteration remains unclear.

GeneDx
Classification: Likely benign. Last evaluated: 2017-05-08. Review status: criteria provided, single submitter. Criteria: GeneDx Variant Classification (06012015). Collection method: clinical testing. Allele origin: germline. Affected: yes.
Comment: This variant is considered likely benign or benign based on one or more of the following criteria: it is a conservative change, it occurs at a poorly conserved position in the protein, it is predicted to be benign by multiple in silico algorithms, and/or has population frequency not consistent with disease.